The following is an entry in ClinVar:

ClinVar aggregate classification (germline): Uncertain significance (1 of 4 stars; one submission).

Conditions:
Inborn genetic diseases. Identifiers: MedGen C0950123, MeSH D030342.

gnomAD v4.1: 8 of 1,612,124 alleles (0.0005%); highest among the groups gnomAD compares: Non-Finnish European, 0.00068%; no homozygotes.

Submission:

Ambry Genetics
Classification: Uncertain significance for Inborn genetic diseases. Last evaluated: 2021-12-10. Review status: criteria provided, single submitter. Criteria: Ambry Variant Classification Scheme 2023. Collection method: clinical testing. Allele origin: germline.
Comment: The p.L153I variant (also known as c.457C>A), located in coding exon 2 of the PIK3CA gene, results from a C to A substitution at nucleotide position 457. The leucine at codon 153 is replaced by isoleucine, an amino acid with highly similar properties. This amino acid position is conserved. In addition, this alteration is predicted to be tolerated by in silico analysis. Since supporting evidence is limited at this time, the clinical significance of this alteration remains unclear.

NM_006218.4(PIK3CA):c.457C>A (p.Leu153Ile)

Gene: PIK3CA (phosphatidylinositol-4,5-bisphosphate 3-kinase catalytic subunit alpha; plus strand). Cytogenetic location: 3q26.32.
Variant type: single nucleotide variant.
Coding change: c.457C>A on transcript NM_006218.4 (MANE Select); coding-DNA position 457, C replaced by A.
Protein change: p.Leu153Ile; replaces leucine 153 with isoleucine.
Molecular consequence: missense variant.
Genome position (GRCh38, 1-based): chr3:179,199,794, C>A. VCF-style: chr3-179199794-C-A. GRCh37 (hg19) VCF-style: chr3-178917582-C-A.
Other names: short protein forms L153I.
Identifiers: ClinVar variation 1741617 (VCV001741617.2), dbSNP rs1724363410, ClinGen allele CA355273929.